The following is an entry in ClinVar:

ClinVar aggregate classification (germline): Conflicting classifications of pathogenicity. Review status: criteria provided, conflicting classifications (1 of 4 stars). 4 submissions from 4 submitters: Uncertain significance (1); Likely benign (1). 2 of the submissions do not count toward it. Last evaluated 2024-07-25.

Conditions:
GNPTG-related disorder. Also called: GNPTG-related condition.
GNPTG-mucolipidosis. Also called: MUCOLIPIDOSIS III, COMPLEMENTATION GROUP C; MUCOLIPIDOSIS III, IRANIAN VARIANT FORM; MUCOLIPIDOSIS III, VARIANT FORM; ML III GAMMA; ML IIIC; Mucolipidosis type III gamma. Identifiers: Orphanet 423470, Orphanet 577, MedGen C1854896, MONDO:0009652, OMIM 252605.

Allele frequency attached by ClinVar (database versions not stated): 1000 Genomes Project 30x 0.00016; TOPMed 0.00045; gnomAD 0.00052 and 0.00053; gnomAD exomes 0.00072.
gnomAD v4.1: 1,294 of 1,291,514 alleles (0.1%); highest among the groups gnomAD compares: Non-Finnish European, 0.12%; 5 homozygotes.

Submissions (4):

Blueprint Genetics
Classification: Likely benign. Last evaluated: 2024-07-25. Review status: criteria provided, single submitter. Criteria: ACMG Guidelines, 2015. Collection method: clinical testing. Allele origin: germline.

Fulgent Genetics
Classification: Uncertain significance for GNPTG-mucolipidosis. Last evaluated: 2022-05-11. Review status: criteria provided, single submitter. Criteria: ACMG Guidelines, 2015. Collection method: clinical testing. Allele origin: unknown.

Natera, Inc.
Classification: Uncertain significance for Mucolipidosis III gamma. Last evaluated: 2020-04-24. Review status: no assertion criteria provided. Collection method: clinical testing. Allele origin: germline. Not counted in ClinVar's aggregate classification.

PreventionGenetics, part of Exact Sciences
Classification: Likely benign for GNPTG-related condition. Last evaluated: 2019-06-11. Review status: no assertion criteria provided. Collection method: clinical testing. Allele origin: germline. Not counted in ClinVar's aggregate classification.
Comment: This variant is classified as likely benign based on ACMG/AMP sequence variant interpretation guidelines (Richards et al. 2015 PMID: 25741868, with internal and published modifications).

NM_032520.5(GNPTG):c.-10C>A

Genes: GNPTG (N-acetylglucosamine-1-phosphate transferase subunit gamma; plus strand), LOC130058158 (ATAC-STARR-seq lymphoblastoid silent region 6972; plus strand). Cytogenetic location: 16p13.3.
Variant type: single nucleotide variant.
Coding change: c.-10C>A on transcript NM_032520.5 (MANE Select); 10 bases upstream of the start codon, C replaced by A.
Molecular consequence: 5 prime UTR variant.
Genome position (GRCh38, 1-based): chr16:1,351,956, C>A. VCF-style: chr16-1351956-C-A. GRCh37 (hg19) VCF-style: chr16-1401957-C-A.
Other names: c.-10C>A (NM_032520.4).
Identifiers: ClinVar variation 989917 (VCV000989917.5), dbSNP rs1017797000, ClinGen allele CA276642429.
Genomic context (GRCh38, chr16:1,351,956, plus strand): 5'-ACGCCACTTCCGGTCCCCGTGGTCACGTGACCGTCACTTCACGTGACCGCGCGGCGGCCG[C>A]TGCGGCGCGATGGCGGCGGGGCTGGCGCGGCTCCTGTTGCTCCTCGGGCTCTCGGCCGGC-3'